The following is an entry in ClinVar:

ClinVar aggregate classification (germline): Likely pathogenic. Review status: criteria provided, multiple submitters, no conflicts (2 of 4 stars). 2 submissions from 2 submitters: Likely pathogenic (2). Last evaluated 2023-10-02.

Conditions:
Breast-ovarian cancer, familial, susceptibility to, 1 (BROVCA1). Also called: BRCA1 Hereditary Breast and Ovarian Cancer; OVARIAN CANCER, SUSCEPTIBILITY TO. Identifiers: Orphanet 145, MedGen C2676676, MONDO:0011450, OMIM 604370. Disease mechanism: loss of function.

Submissions (2):

Baylor Genetics
Classification: Likely pathogenic for Breast-ovarian cancer, familial, susceptibility to, 1. Last evaluated: 2023-10-02. Review status: criteria provided, single submitter. Criteria: ACMG Guidelines, 2015. Collection method: clinical testing. Allele origin: unknown.

Neuberg Centre For Genomic Medicine, NCGM
Classification: Likely pathogenic for Breast-ovarian cancer, familial, susceptibility to, 1. Last evaluated: 2023-03-01. Review status: criteria provided, single submitter. Criteria: ACMG Guidelines, 2015. Collection method: clinical testing. Allele origin: germline. Inheritance: Autosomal dominant inheritance. Affected: yes.
Comment: The frameshift c.2632_2653del(p.Ala878SerfsTer8) variant in BRCA1 gene has not been reported previously as a pathogenic variant nor a benign variant, to our knowledge. The p.Ala878SerfsTer8 variant is novel (not in any individuals) in gnomAD Exomes and 1000 Genomes. This variant has not been reported to the ClinVar database. This variant causes a frameshift starting with codon Alanine 878, changes this amino acid to Serine residue, and creates a premature Stop codon at position 8 of the new reading frame, denoted p.Ala878SerfsTer8. This variant is predicted to cause loss of normal protein function through protein truncation. Loss of function variants have been previously reported to be disease causing. For these reasons, this variant has been classified as Likely Pathogenic.

NM_007294.4(BRCA1):c.2632_2653del (p.Ala878fs)

Gene: BRCA1 (BRCA1 DNA repair associated; minus strand). Cytogenetic location: 17q21.31.
Variant type: Deletion.
Coding change: c.2632_2653del on transcript NM_007294.4 (MANE Select); coding-DNA positions 2632 to 2653, 22 bases deleted (GCAGAAGAGGAATGTGCAACAT).
Protein change: p.Ala878fs; shifts the reading frame from alanine 878.
Molecular consequence: frameshift variant. On other transcripts: intron variant (137).
Genome position (GRCh38, 1-based): chr17:43,092,878-43,092,899, ATGTTGCACATTCCTCTTCTGC deleted on the plus strand (GCAGAAGAGGAATGTGCAACAT on the coding strand, the reverse complement: BRCA1 is on the minus strand); deleting any 22 consecutive bases within chr17:43,092,878-43,092,901 gives the same sequence; the c. name uses the placement nearest the transcript's 3' end. VCF-style (leftmost placement, unchanged base first): chr17-43092877-AATGTTGCACATTCCTCTTCTGC-A. GRCh37 (hg19) VCF-style: chr17-41244894-AATGTTGCACATTCCTCTTCTGC-A.
Other names: c.2632_2653del, p.Ala878fs (NM_001407652.1, NM_001407684.1, NM_001407854.1 and 30 more transcripts); c.2554_2575del, p.Ala852fs (NM_001407653.1, NM_001407654.1, NM_001407655.1 and 4 more transcripts); c.2551_2572del, p.Ala851fs (NM_001407659.1, NM_001407660.1, NM_001407661.1 and 1 more transcripts); c.2509_2530del, p.Ala837fs (NM_001407664.1, NM_001407665.1, NM_001407666.1 and 19 more transcripts); c.2506_2527del, p.Ala836fs (NM_001407670.1, NM_001407671.1, NM_001407672.1 and 11 more transcripts); c.2491_2512del, p.Ala831fs (NM_001407692.1, NM_001407694.1, NM_001407695.1 and 29 more transcripts); c.2488_2509del, p.Ala830fs (NM_001407740.1, NM_001407741.1, NM_001407742.1 and 20 more transcripts); c.2419_2440del, p.Ala807fs (NM_001407853.1, NM_001407894.1, NM_001407895.1 and 9 more transcripts); and 41 more; short protein forms A582fs, A710fs, A750fs, A751fs, A766fs, A767fs, A789fs, A790fs.
Identifiers: ClinVar variation 2670639 (VCV002670639.2), dbSNP rs2552185681, ClinGen allele CA2695201344.